The following is an entry in ClinVar:

ClinVar aggregate classification (germline): Likely benign. Review status: criteria provided, multiple submitters, no conflicts (2 of 4 stars). 2 submissions from 2 submitters: Likely benign (2). Last evaluated 2025-06-26.

Conditions:
SCAPER-related disorder. Also called: SCAPER-related condition.

gnomAD v4.1: 98 of 1,612,822 alleles (0.0061%); highest among the groups gnomAD compares: African/African-American, 0.12%; 1 homozygote.

Submissions (2):

PreventionGenetics, part of Exact Sciences
Classification: Likely benign for SCAPER-related condition. Last evaluated: 2025-06-26. Review status: criteria provided, single submitter. Criteria: ACMG Guidelines, 2015. Collection method: clinical testing. Allele origin: germline.
Comment: This variant is classified as likely benign based on ACMG/AMP sequence variant interpretation guidelines (Richards et al. 2015 PMID: 25741868, with internal and published modifications).

Blueprint Genetics
Classification: Likely benign. Last evaluated: 2024-09-16. Review status: criteria provided, single submitter. Criteria: ACMG Guidelines, 2015. Collection method: clinical testing. Allele origin: germline.

NM_020843.4(SCAPER):c.3339C>T (p.Asp1113=)

Gene: SCAPER (S-phase cyclin A associated protein in the ER; minus strand). Cytogenetic location: 15q24.3.
Variant type: single nucleotide variant.
Coding change: c.3339C>T on transcript NM_020843.4 (MANE Select); coding-DNA position 3339, C replaced by T.
Protein change: p.Asp1113=; no amino-acid change (aspartic acid 1113 retained).
Molecular consequence: synonymous variant. On other transcripts: non-coding transcript variant (1).
Genome position (GRCh38, 1-based): chr15:76,404,652, G>A on the plus strand (C>T on the coding strand, the complement: SCAPER is on the minus strand). VCF-style: chr15-76404652-G-A. GRCh37 (hg19) VCF-style: chr15-76696993-G-A.
Other names: c.2601C>T, p.Asp867= (NM_001145923.2); c.3357C>T, p.Asp1119= (NM_001353009.2); c.2937C>T, p.Asp979= (NM_001353010.2, NM_001353012.2); c.2955C>T, p.Asp985= (NM_001353011.2); c.3357C>T (NM_001353009.1).
Identifiers: ClinVar variation 4925937 (VCV004925937.2).